The following is an entry in ClinVar:

ClinVar aggregate classification (germline): Uncertain significance. Review status: criteria provided, multiple submitters, no conflicts (2 of 4 stars). 2 submissions from 2 submitters: Uncertain significance (2). Last evaluated 2025-11-24.

Conditions:
Hereditary cancer-predisposing syndrome. Also called: Tumor predisposition; Neoplastic Syndromes, Hereditary; Hereditary Cancer Syndrome; Hereditary neoplastic syndrome. Identifiers: Orphanet 140162, MedGen C0027672, MeSH D009386, MONDO:0015356.
EGFR-related lung cancer (EGFR). Identifiers: MedGen CN130014.

gnomAD v4.1: 1 of 1,614,080 alleles (0.000062%); highest among the groups gnomAD compares: Non-Finnish European, 0.000085%; no homozygotes.

Submissions (2):

Ambry Genetics
Classification: Uncertain significance for Hereditary cancer-predisposing syndrome. Last evaluated: 2025-11-24. Review status: criteria provided, single submitter. Criteria: Ambry Variant Classification Scheme 2023. Collection method: clinical testing. Allele origin: germline.
Comment: The p.A647P variant (also known as c.1939G>C), located in coding exon 17 of the EGFR gene, results from a G to C substitution at nucleotide position 1939. The alanine at codon 647 is replaced by proline, an amino acid with highly similar properties. This amino acid position is highly conserved in available vertebrate species. In addition, the in silico prediction for this alteration is inconclusive. Based on the available evidence, the clinical significance of this variant remains unclear.

Labcorp Genetics (formerly Invitae), Labcorp
Classification: Uncertain significance for EGFR-related lung cancer. Last evaluated: 2025-03-05. Review status: criteria provided, single submitter. Criteria: Invitae Variant Classification Sherloc (09022015). Collection method: clinical testing. Allele origin: germline.
Comment: This sequence change replaces alanine, which is neutral and non-polar, with proline, which is neutral and non-polar, at codon 647 of the EGFR protein (p.Ala647Pro). This variant is not present in population databases (gnomAD no frequency). This variant has not been reported in the literature in individuals affected with EGFR-related conditions. ClinVar contains an entry for this variant (Variation ID: 2084306). Invitae Evidence Modeling of protein sequence and biophysical properties (such as structural, functional, and spatial information, amino acid conservation, physicochemical variation, residue mobility, and thermodynamic stability) indicates that this missense variant is not expected to disrupt EGFR protein function with a negative predictive value of 80%. In summary, the available evidence is currently insufficient to determine the role of this variant in disease. Therefore, it has been classified as a Variant of Uncertain Significance.

NM_005228.5(EGFR):c.1939G>C (p.Ala647Pro)

Gene: EGFR (epidermal growth factor receptor; plus strand). Cytogenetic location: 7p11.2.
Variant type: single nucleotide variant.
Coding change: c.1939G>C on transcript NM_005228.5 (MANE Select); coding-DNA position 1939, G replaced by C.
Protein change: p.Ala647Pro; replaces alanine 647 with proline.
Molecular consequence: missense variant.
Genome position (GRCh38, 1-based): chr7:55,173,002, G>C. VCF-style: chr7-55173002-G-C. GRCh37 (hg19) VCF-style: chr7-55240695-G-C.
Other names: c.1804G>C, p.Ala602Pro (NM_001346897.2, NM_001346899.2); c.1939G>C, p.Ala647Pro (NM_001346898.2); c.1780G>C, p.Ala594Pro (NM_001346900.2); c.1138G>C, p.Ala380Pro (NM_001346941.2); short protein forms A380P, A594P, A602P, A647P.
Identifiers: ClinVar variation 2084306 (VCV002084306.5), dbSNP rs764359156, ClinGen allele CA367582905.